The following is an entry in ClinVar:

ClinVar aggregate classification (germline): Uncertain significance. Review status: criteria provided, multiple submitters, no conflicts (2 of 4 stars). 3 submissions from 3 submitters: Uncertain significance (3). Last evaluated 2025-06-09.

Conditions:
Hereditary cancer-predisposing syndrome. Also called: Neoplastic Syndromes, Hereditary; Tumor predisposition; Hereditary neoplastic syndrome; Hereditary Cancer Syndrome. Identifiers: Orphanet 140162, MedGen C0027672, MeSH D009386, MONDO:0015356.
Hereditary breast ovarian cancer syndrome. Also called: Hereditary breast and ovarian cancer syndrome; Hereditary breast and ovarian cancer; Hereditary breast and ovarian cancer syndrome (HBOC); Breast and ovarian cancer; Hereditary breast and/or ovarian cancer syndrome; BRCA1- and BRCA2-Associated Hereditary Breast and Ovarian Cancer. Identifiers: Orphanet 145, MedGen C0677776, MeSH D061325, MONDO:0003582. Disease mechanism: loss of function.

Submissions (3):

Labcorp Genetics (formerly Invitae), Labcorp
Classification: Uncertain significance for Hereditary breast ovarian cancer syndrome. Last evaluated: 2025-06-09. Review status: criteria provided, single submitter. Criteria: Invitae Variant Classification Sherloc (09022015). Collection method: clinical testing. Allele origin: germline.
Comment: This sequence change replaces leucine, which is neutral and non-polar, with valine, which is neutral and non-polar, at codon 2917 of the BRCA2 protein (p.Leu2917Val). This variant is not present in population databases (gnomAD no frequency). This variant has not been reported in the literature in individuals affected with BRCA2-related conditions. ClinVar contains an entry for this variant (Variation ID: 628172). Invitae Evidence Modeling of protein sequence and biophysical properties (such as structural, functional, and spatial information, amino acid conservation, physicochemical variation, residue mobility, and thermodynamic stability) indicates that this missense variant is not expected to disrupt BRCA2 protein function with a negative predictive value of 95%. In summary, the available evidence is currently insufficient to determine the role of this variant in disease. Therefore, it has been classified as a Variant of Uncertain Significance.

Ambry Genetics
Classification: Uncertain significance for Hereditary cancer-predisposing syndrome. Last evaluated: 2024-11-30. Review status: criteria provided, single submitter. Criteria: Ambry Variant Classification Scheme 2023. Collection method: clinical testing. Allele origin: germline.
Comment: The p.L2917V variant (also known as c.8749C>G), located in coding exon 20 of the BRCA2 gene, results from a C to G substitution at nucleotide position 8749. The leucine at codon 2917 is replaced by valine, an amino acid with highly similar properties. This amino acid position is conserved. In addition, the in silico prediction for this alteration is inconclusive. Based on the available evidence, the clinical significance of this variant remains unclear.

Color Diagnostics, LLC DBA Color Health
Classification: Uncertain significance for Hereditary cancer-predisposing syndrome. Last evaluated: 2023-12-04. Review status: criteria provided, single submitter. Criteria: ACMG Guidelines, 2015. Collection method: clinical testing. Allele origin: germline.
Comment: This missense variant replaces leucine with valine at codon 2917 of the BRCA2 protein. Computational prediction suggests that this variant may not impact protein structure and function (internally defined REVEL score threshold <= 0.5, PMID: 27666373). To our knowledge, functional studies have not been reported for this variant. This variant has not been reported in individuals affected with BRCA2-related disorders in the literature. This variant has not been identified in the general population by the Genome Aggregation Database (gnomAD). The available evidence is insufficient to determine the role of this variant in disease conclusively. Therefore, this variant is classified as a Variant of Uncertain Significance.

NM_000059.4(BRCA2):c.8749C>G (p.Leu2917Val)

Gene: BRCA2 (BRCA2 DNA repair associated; plus strand). Cytogenetic location: 13q13.1.
Variant type: single nucleotide variant.
Coding change: c.8749C>G on transcript NM_000059.4 (MANE Select); coding-DNA position 8749, C replaced by G.
Protein change: p.Leu2917Val; replaces leucine 2917 with valine.
Molecular consequence: missense variant.
Genome position (GRCh38, 1-based): chr13:32,376,786, C>G. VCF-style: chr13-32376786-C-G. GRCh37 (hg19) VCF-style: chr13-32950923-C-G.
Other names: short protein forms L2917V.
Identifiers: ClinVar variation 628172 (VCV000628172.7), dbSNP rs1566251519, ClinGen allele CA387755081.